The following is an entry in ClinVar:

NM_001457.4(FLNB):c.4861+142G>A

Gene: FLNB (filamin B; plus strand). Cytogenetic location: 3p14.3.
Variant type: single nucleotide variant.
Coding change: c.4861+142G>A on transcript NM_001457.4 (MANE Select); 142 bases into the intron after coding-DNA position 4861, G replaced by A.
Molecular consequence: intron variant.
Genome position (GRCh38, 1-based): chr3:58,136,310, G>A. VCF-style: chr3-58136310-G-A. GRCh37 (hg19) VCF-style: chr3-58122037-G-A.
Other names: c.4954+142G>A (NM_001164317.2); c.4861+142G>A (NM_001164318.2, NM_001164319.2).
Identifiers: ClinVar variation 683114 (VCV000683114.1), dbSNP rs75228448, ClinGen allele CA75459797.
Genomic context (GRCh38, chr3:58,136,310, plus strand): 5'-AGCTACATGATCTGGGCACGTTGCTCAACCTCACTGAACTTCAGTTTGACATAGATTGAA[G>A]CTCTTTGTTTTTATTTGGAGAACATTTAGATCCAAGAAGCTCTTCTAAGGAACAGAGACT-3'

ClinVar aggregate classification (germline): Likely benign (1 of 4 stars; one submission).

Allele frequency attached by ClinVar (database versions not stated): gnomAD exomes 0.00160; 1000 Genomes Project 0.01318; gnomAD 0.01327 and 0.01425; 1000 Genomes Project 30x 0.01421; TOPMed 0.01571.
gnomAD v4.1: 3,113 of 780,898 alleles (0.4%); highest among the groups gnomAD compares: African/African-American, 4.6%; 76 homozygotes.

Submission:

GeneDx
Classification: Likely benign. Last evaluated: 2018-06-14. Review status: criteria provided, single submitter. Criteria: GeneDx Variant Classification (06012015). Collection method: clinical testing. Allele origin: germline. Affected: yes.
Comment: This variant is considered likely benign or benign based on one or more of the following criteria: it is a conservative change, it occurs at a poorly conserved position in the protein, it is predicted to be benign by multiple in silico algorithms, and/or has population frequency not consistent with disease.